The following is an entry in ClinVar:

ClinVar aggregate classification (germline): Likely benign (1 of 4 stars; one submission).

Submission:

GeneDx
Classification: Likely benign. Last evaluated: 2016-03-17. Review status: criteria provided, single submitter. Criteria: GeneDx Variant Classification (06012015). Collection method: clinical testing. Allele origin: germline. Affected: yes.
Comment: This variant is considered likely benign or benign based on one or more of the following criteria: it is a conservative change, it occurs at a poorly conserved position in the protein, it is predicted to be benign by multiple in silico algorithms, and/or has population frequency not consistent with disease.

NM_001005373.4(LRSAM1):c.1089-21_1089-18del

Gene: LRSAM1 (leucine rich repeat and sterile alpha motif containing 1; plus strand). Cytogenetic location: 9q33.3.
Variant type: Microsatellite.
Coding change: c.1089-21_1089-18del on transcript NM_001005373.4 (MANE Select); 21 bases into the intron before coding-DNA position 1089 through 18 bases into the intron before coding-DNA position 1089, 4 bases deleted (AATG; older notation c.1089-21_1089-18delAATG).
Molecular consequence: intron variant.
Genome position (GRCh38, 1-based): chr9:127,482,929-127,482,932, AATG deleted; deleting any 4 consecutive bases within chr9:127,482,923-127,482,932 gives the same sequence; the c. name uses the placement nearest the transcript's 3' end. VCF-style (leftmost placement, unchanged base first): chr9-127482922-CTGAA-C. GRCh37 (hg19) VCF-style: chr9-130245201-CTGAA-C.
Other names: c.1089-21_1089-18delAATG (NM_138361.5); c.1089-21_1089-18del (NM_138361.5, NM_001384142.1, NM_001384143.1 and 2 more transcripts); c.300-21_300-18del (NM_001384144.1).
Identifiers: ClinVar variation 420618 (VCV000420618.1), dbSNP rs1064794590, ClinGen allele CA16618734.